The following is an entry in ClinVar:

NM_005908.4(MANBA):c.757G>A (p.Val253Ile)

Gene: MANBA (mannosidase beta; minus strand). Cytogenetic location: 4q24.
Variant type: single nucleotide variant.
Coding change: c.757G>A on transcript NM_005908.4 (MANE Select); coding-DNA position 757, G replaced by A.
Protein change: p.Val253Ile; replaces valine 253 with isoleucine.
Molecular consequence: missense variant.
Genome position (GRCh38, 1-based): chr4:102,690,688, C>T on the plus strand (G>A on the coding strand, the complement: MANBA is on the minus strand). VCF-style: chr4-102690688-C-T. GRCh37 (hg19) VCF-style: chr4-103611845-C-T.
Other names: short protein forms V253I.
Identifiers: ClinVar variation 347096 (VCV000347096.24), dbSNP rs227368, ClinGen allele CA3027113.

ClinVar aggregate classification (germline): Benign/Likely benign. Review status: criteria provided, multiple submitters, no conflicts (2 of 4 stars). 8 submissions from 8 submitters: Benign (5); Likely benign (2). 1 of the submissions does not count toward it. Last evaluated 2026-02-04.

Conditions:
Beta-D-mannosidosis (MANSB). Also called: LYSOSOMAL BETA-MANNOSIDASE DEFICIENCY; Beta-Mannosidosis; MANNOSIDOSIS, BETA A, LYSOSOMAL; BETA-MANNOSIDASE DEFICIENCY. Identifiers: Orphanet 118, MedGen C4048196, MONDO:0009562, OMIM 248510.

Allele frequency attached by ClinVar (database versions not stated): gnomAD exomes 0.44169 and 0.47008; 1000 Genomes Project 30x 0.36633; 1000 Genomes Project 0.37660; gnomAD 0.39717 and 0.39095; ExAC 0.44268; TOPMed 0.37131; ESP Exome Variant Server 0.38521.
gnomAD v4.1: 743,736 of 1,608,542 alleles (46%); highest among the groups gnomAD compares: East Asian, 50%; 177,288 homozygotes.

Submissions (8):

Labcorp Genetics (formerly Invitae), Labcorp
Classification: Benign for Beta-D-mannosidosis. Last evaluated: 2026-02-04. Review status: criteria provided, single submitter. Criteria: Invitae Variant Classification Sherloc (09022015). Collection method: clinical testing. Allele origin: germline.

Genome-Nilou Lab
Classification: Benign for Beta-D-mannosidosis. Last evaluated: 2021-09-05. Review status: criteria provided, single submitter. Criteria: ACMG Guidelines, 2015. Collection method: clinical testing. Allele origin: germline. Affected: no.

Women's Health and Genetics/Laboratory Corporation of America, LabCorp
Classification: Likely benign. Last evaluated: 2021-03-21. Review status: criteria provided, single submitter. Criteria: LabCorp Variant Classification Summary - May 2015. Collection method: clinical testing. Allele origin: germline.

GeneDx
Classification: Benign. Last evaluated: 2018-06-28. Review status: criteria provided, single submitter. Criteria: GeneDx Variant Classification Process June 2021. Collection method: clinical testing. Allele origin: germline. Affected: yes.

Illumina Laboratory Services, Illumina
Classification: Benign for Beta-D-mannosidosis. Last evaluated: 2018-01-13. Review status: criteria provided, single submitter. Criteria: ICSL Variant Classification Criteria 13 December 2019. Collection method: clinical testing. Allele origin: germline.
Comment: This variant was observed in the ICSL laboratory as part of a predisposition screen in an ostensibly healthy population. It had not been previously curated by ICSL or reported in the Human Gene Mutation Database (HGMD: prior to June 1st, 2018), and was therefore a candidate for classification through an automated scoring system. Utilizing variant allele frequency, disease prevalence and penetrance estimates, and inheritance mode, an automated score was calculated to assess if this variant is too frequent to cause the disease. Based on the score and internal cut-off values, a variant classified as benign is not then subjected to further curation. The score for this variant resulted in a classification of benign for this disease.

Laboratory for Molecular Medicine, Mass General Brigham Personalized Medicine
Classification: Benign. Last evaluated: 2016-03-29. Review status: criteria provided, single submitter. Criteria: LMM Criteria. Collection method: clinical testing. Allele origin: germline.
Comment: Variant identified in a genome or exome case(s) and assessed due to predicted null impact of the variant or pathogenic assertions in the literature or databases. Disclaimer: This variant has not undergone full assessment. The following are preliminary notes: Frequency

Breakthrough Genomics
Classification: Likely benign. Review status: criteria provided, single submitter. Criteria: ACMG Guidelines, 2015. Collection method: not provided. Allele origin: germline. Inheritance: Autosomal recessive inheritance. Affected: yes.

Mayo Clinic Laboratories, Mayo Clinic
Classification: Benign. Last evaluated: 2015-10-23. Review status: no assertion criteria provided. Collection method: clinical testing. Allele origin: unknown. Not counted in ClinVar's aggregate classification.